The following is an entry in ClinVar:

NM_001080421.3(UNC13A):c.4886A>G (p.Glu1629Gly)

Gene: UNC13A (unc-13 homolog A; minus strand). Cytogenetic location: 19p13.11.
Variant type: single nucleotide variant.
Coding change: c.4886A>G on transcript NM_001080421.3 (MANE Select); coding-DNA position 4886, A replaced by G.
Protein change: p.Glu1629Gly; replaces glutamic acid 1629 with glycine.
Molecular consequence: missense variant.
Genome position (GRCh38, 1-based): chr19:17,606,280, T>C on the plus strand (A>G on the coding strand, the complement: UNC13A is on the minus strand). VCF-style: chr19-17606280-T-C. GRCh37 (hg19) VCF-style: chr19-17717089-T-C.
Other names: c.4874A>G, p.Glu1625Gly (NM_001387021.1); c.4871A>G, p.Glu1624Gly (NM_001387022.1); c.4805A>G, p.Glu1602Gly (NM_001387023.1); short protein forms E1602G, E1624G, E1625G, E1629G.
Identifiers: ClinVar variation 4527467 (VCV004527467.1).
Genomic context (GRCh38, chr19:17,606,280, plus strand): 5'-GCGCTCCCGCGCTGGGCCAGCTCACGCAGCTGCAGCACGGCCAGCCCCACCGTGCGGTCC[T>C]CGCGCGCGAAGCAGTAGTCCTTGACGCACACCTGCAGCTCATAGCACTCGGGACCCGCGT-3'
Protein context (NP_001073890.2, residues 1619-1639): VCVKDYCFAR[Glu1629Gly]DRTVGLAVLQ

ClinVar aggregate classification (germline): Uncertain significance (1 of 4 stars; one submission).

Submission:

GeneDx
Classification: Uncertain significance. Last evaluated: 2025-04-28. Review status: criteria provided, single submitter. Criteria: GeneDx Variant Classification Process June 2021. Collection method: clinical testing. Allele origin: germline. Affected: yes.
Comment: Not observed at significant frequency in large population cohorts (gnomAD); In silico analysis supports that this missense variant has a deleterious effect on protein structure/function; Has not been previously published as pathogenic or benign to our knowledge